The following is an entry in ClinVar:

NM_015338.6(ASXL1):c.2680A>T (p.Ser894Cys)

Gene: ASXL1 (ASXL transcriptional regulator 1; plus strand). Cytogenetic location: 20q11.21.
Variant type: single nucleotide variant.
Coding change: c.2680A>T on transcript NM_015338.6 (MANE Select); coding-DNA position 2680, A replaced by T.
Protein change: p.Ser894Cys; replaces serine 894 with cysteine.
Molecular consequence: missense variant.
Genome position (GRCh38, 1-based): chr20:32,435,392, A>T. VCF-style: chr20-32435392-A-T. GRCh37 (hg19) VCF-style: chr20-31023195-A-T.
Other names: c.2497A>T, p.Ser833Cys (NM_001363734.1); short protein forms S833C, S894C.
Identifiers: ClinVar variation 4825237 (VCV004825237.1).
Genomic context (GRCh38, chr20:32,435,392, plus strand): 5'-CCTATGAGGGAAAGTGATACTAGACAAGAAAACTTGAAAACCAAGGCTCTCGTTTCTAAC[A>T]GTTCTTTGCATTGGATACCCATCCCATCGAATGATGAGGTAGTGAAACAGCCCAAACCAG-3'
Protein context (NP_056153.2, residues 884-904): NLKTKALVSN[Ser894Cys]SLHWIPIPSN

ClinVar aggregate classification (germline): Uncertain significance (1 of 4 stars; one submission).

Conditions:
Inborn genetic diseases. Identifiers: MedGen C0950123, MeSH D030342.

gnomAD v4.1: 1 of 1,614,204 alleles (0.000062%); highest among the groups gnomAD compares: Non-Finnish European, 0.000085%; no homozygotes.

Submission:

Ambry Genetics
Classification: Uncertain significance for Inborn genetic diseases. Last evaluated: 2026-02-17. Review status: criteria provided, single submitter. Criteria: Ambry Variant Classification Scheme 2023. Collection method: clinical testing. Allele origin: germline.
Comment: The p.S894C variant (also known as c.2680A>T), located in coding exon 13 of the ASXL1 gene, results from an A to T substitution at nucleotide position 2680. The serine at codon 894 is replaced by cysteine, an amino acid with dissimilar properties. This amino acid position is conserved. In addition, this alteration is predicted to be tolerated by in silico analysis. Based on the available evidence, the clinical significance of this variant remains unclear.